The following is an entry in ClinVar:

NM_182641.4(BPTF):c.2583G>A (p.Glu861=)

Gene: BPTF (bromodomain PHD finger transcription factor; plus strand). Cytogenetic location: 17q24.2.
Variant type: single nucleotide variant.
Coding change: c.2583G>A on transcript NM_182641.4 (MANE Select); coding-DNA position 2583, G replaced by A.
Protein change: p.Glu861=; no amino-acid change (glutamic acid 861 retained).
Molecular consequence: synonymous variant.
Genome position (GRCh38, 1-based): chr17:67,903,828, G>A. VCF-style: chr17-67903828-G-A. GRCh37 (hg19) VCF-style: chr17-65899944-G-A.
Other names: c.2961G>A, p.Glu987= (NM_004459.7).
Identifiers: ClinVar variation 2867574 (VCV002867574.25), dbSNP rs750962156, ClinGen allele CA8725477.

ClinVar aggregate classification (germline): Likely benign. Review status: criteria provided, multiple submitters, no conflicts (2 of 4 stars). 2 submissions from 2 submitters: Likely benign (2). Last evaluated 2025-11-06.

Allele frequency attached by ClinVar (database versions not stated): gnomAD exomes 0.00005; ExAC 0.00009; gnomAD 0.00009.
gnomAD v4.1: 91 of 1,587,208 alleles (0.0057%); highest among the groups gnomAD compares: East Asian, 0.02%; no homozygotes.

Submissions (2):

Labcorp Genetics (formerly Invitae), Labcorp
Classification: Likely benign. Last evaluated: 2025-11-06. Review status: criteria provided, single submitter. Criteria: Invitae Variant Classification Sherloc (09022015). Collection method: clinical testing. Allele origin: germline.

CeGaT Center for Human Genetics Tuebingen
Classification: Likely benign. Last evaluated: 2024-07-01. Review status: criteria provided, single submitter. Criteria: CeGaT Center For Human Genetics Tuebingen Variant Classification Criteria Version 2. Collection method: clinical testing. Allele origin: germline. Affected: yes. Observed: 2 variant alleles.
Comment: BPTF: BP4, BP7